The following is an entry in ClinVar:

NM_001457.4(FLNB):c.5905C>T (p.Arg1969Trp)

Gene: FLNB (filamin B; plus strand). Cytogenetic location: 3p14.3.
Variant type: single nucleotide variant.
Coding change: c.5905C>T on transcript NM_001457.4 (MANE Select); coding-DNA position 5905, C replaced by T.
Protein change: p.Arg1969Trp; replaces arginine 1969 with tryptophan.
Molecular consequence: missense variant.
Genome position (GRCh38, 1-based): chr3:58,148,666, C>T. VCF-style: chr3-58148666-C-T. GRCh37 (hg19) VCF-style: chr3-58134393-C-T.
Other names: c.5998C>T, p.Arg2000Trp (NM_001164317.2); c.5872C>T, p.Arg1958Trp (NM_001164318.2); c.5833C>T, p.Arg1945Trp (NM_001164319.2); short protein forms R1969W, R1958W, R1945W, R2000W.
Identifiers: ClinVar variation 4707206 (VCV004707206.1).
Genomic context (GRCh38, chr3:58,148,666, plus strand): 5'-CTCCGCCATCCCCTTACAAGCCCCAATCTGTGTTCTGGTCCAGGCATCTCCTTCATCCCC[C>T]GGGAAGTGGGCGAACATCTGGTCAGCATCAAGAAAAATGGCAACCATGTGGCCAACAGCC-3'
Protein context (NP_001448.2, residues 1959-1979): NNHIGISFIP[Arg1969Trp]EVGEHLVSIK

ClinVar aggregate classification (germline): Uncertain significance (1 of 4 stars; one submission).

gnomAD v4.1: 6 of 1,614,074 alleles (0.00037%); highest among the groups gnomAD compares: Middle Eastern, 0.033%; no homozygotes.

Submission:

Labcorp Genetics (formerly Invitae), Labcorp
Classification: Uncertain significance. Last evaluated: 2025-10-08. Review status: criteria provided, single submitter. Criteria: Invitae Variant Classification Sherloc (09022015). Collection method: clinical testing. Allele origin: germline.
Comment: This sequence change replaces arginine, which is basic and polar, with tryptophan, which is neutral and slightly polar, at codon 1969 of the FLNB protein (p.Arg1969Trp). This variant is not present in population databases (gnomAD no frequency). This variant has not been reported in the literature in individuals affected with FLNB-related conditions. Invitae Evidence Modeling of protein sequence and biophysical properties (such as structural, functional, and spatial information, amino acid conservation, physicochemical variation, residue mobility, and thermodynamic stability) indicates that this missense variant is not expected to disrupt FLNB protein function with a negative predictive value of 95%. In summary, the available evidence is currently insufficient to determine the role of this variant in disease. Therefore, it has been classified as a Variant of Uncertain Significance.